The following is an entry in ClinVar:

ClinVar aggregate classification (germline): Pathogenic (1 of 4 stars; one submission).

Conditions:
Cardiovascular phenotype. Identifiers: MedGen CN230736.

Submission:

Ambry Genetics
Classification: Pathogenic for Cardiovascular phenotype. Last evaluated: 2024-10-18. Review status: criteria provided, single submitter. Criteria: Ambry Variant Classification Scheme 2023. Collection method: clinical testing. Allele origin: germline.
Comment: The c.1284_1304del21insCTTG pathogenic mutation, located in coding exon 5 of the ALPK3 gene, results from the deletion of 21 nucleotides and insertion of 4 nucleotides causing a translational frameshift with a predicted alternate stop codon (p.S430Gfs*10). This variant is considered to be rare based on population cohorts in the Genome Aggregation Database (gnomAD). This alteration is expected to result in loss of function by premature protein truncation or nonsense-mediated mRNA decay. As such, this alteration is interpreted as a disease-causing mutation.

NM_020778.5(ALPK3):c.678_698delinsCTTG (p.Ser228fs)

Gene: ALPK3 (alpha kinase 3; plus strand). Cytogenetic location: 15q25.3.
Variant type: Indel.
Coding change: c.678_698delinsCTTG on transcript NM_020778.5 (MANE Select); coding-DNA positions 678 to 698, ATTGAGCGGGGCTCAAGCGCC replaced by CTTG.
Protein change: p.Ser228fs; shifts the reading frame from serine 228.
Molecular consequence: frameshift variant.
Genome position (GRCh38, 1-based): chr15:84,839,957-84,839,977, ATTGAGCGGGGCTCAAGCGCC replaced by CTTG. VCF-style: chr15-84839957-ATTGAGCGGGGCTCAAGCGCC-CTTG. GRCh37 (hg19) VCF-style: chr15-85383188-ATTGAGCGGGGCTCAAGCGCC-CTTG.
Other names: short protein forms S228fs.
Identifiers: ClinVar variation 3533240 (VCV003533240.1).